The following is an entry in ClinVar:

NM_005529.7(HSPG2):c.12436C>A (p.Pro4146Thr)

Gene: HSPG2 (heparan sulfate proteoglycan 2; minus strand). Cytogenetic location: 1p36.12.
Variant type: single nucleotide variant.
Coding change: c.12436C>A on transcript NM_005529.7 (MANE Select); coding-DNA position 12436, C replaced by A.
Protein change: p.Pro4146Thr; replaces proline 4146 with threonine.
Molecular consequence: missense variant.
Genome position (GRCh38, 1-based): chr1:21,828,126, G>T on the plus strand (C>A on the coding strand, the complement: HSPG2 is on the minus strand). VCF-style: chr1-21828126-G-T. GRCh37 (hg19) VCF-style: chr1-22154619-G-T.
Other names: c.12439C>A, p.Pro4147Thr (NM_001291860.2); short protein forms P4146T, P4147T.
Identifiers: ClinVar variation 3682726 (VCV003682726.2).

ClinVar aggregate classification (germline): Uncertain significance (1 of 4 stars; one submission).

gnomAD v4.1: 1 of 1,613,094 alleles (0.000062%); highest among the groups gnomAD compares: East Asian, 0.0022%; no homozygotes.

Submission:

Labcorp Genetics (formerly Invitae), Labcorp
Classification: Uncertain significance. Last evaluated: 2024-11-06. Review status: criteria provided, single submitter. Criteria: Invitae Variant Classification Sherloc (09022015). Collection method: clinical testing. Allele origin: germline.
Comment: This sequence change replaces proline, which is neutral and non-polar, with threonine, which is neutral and polar, at codon 4146 of the HSPG2 protein (p.Pro4146Thr). This variant is not present in population databases (gnomAD no frequency). This variant has not been reported in the literature in individuals affected with HSPG2-related conditions. An algorithm developed to predict the effect of missense changes on protein structure and function (PolyPhen-2) suggests that this variant is likely to be disruptive. In summary, the available evidence is currently insufficient to determine the role of this variant in disease. Therefore, it has been classified as a Variant of Uncertain Significance.